The following is an entry in ClinVar:

NM_001127649.3(PEX26):c.38G>T (p.Arg13Met)

Gene: PEX26 (peroxisomal biogenesis factor 26; plus strand). Cytogenetic location: 22q11.21.
Variant type: single nucleotide variant.
Coding change: c.38G>T on transcript NM_001127649.3 (MANE Select); coding-DNA position 38, G replaced by T.
Protein change: p.Arg13Met; replaces arginine 13 with methionine.
Molecular consequence: missense variant.
Genome position (GRCh38, 1-based): chr22:18,078,414, G>T. VCF-style: chr22-18078414-G-T. GRCh37 (hg19) VCF-style: chr22-18561180-G-T.
Other names: c.38G>T, p.Arg13Met (NM_001199319.2, NM_017929.6); short protein forms R13M.
Identifiers: ClinVar variation 594220 (VCV000594220.7), dbSNP rs1419370284, ClinGen allele CA410264148.

ClinVar aggregate classification (germline): Uncertain significance. Review status: criteria provided, multiple submitters, no conflicts (2 of 4 stars). 2 submissions from 2 submitters: Uncertain significance (2). Last evaluated 2025-02-02.

Conditions:
Peroxisome biogenesis disorder 7A (Zellweger). Also called: Peroxisome biogenesis disorder 7A. Identifiers: Orphanet 912, MedGen C3888385, MONDO:0013938, OMIM 614872.
Peroxisome biogenesis disorder 7B (PBD7B). Identifiers: Orphanet 44, MedGen C3553951, MONDO:0013939, OMIM 614873.

Allele frequency attached by ClinVar (database versions not stated): gnomAD exomes 0.00002.
gnomAD v4.1: 3 of 1,593,148 alleles (0.00019%); highest among the groups gnomAD compares: Admixed American, 0.0053%; no homozygotes.

Submissions (2):

Labcorp Genetics (formerly Invitae), Labcorp
Classification: Uncertain significance for Peroxisome biogenesis disorder 7A (Zellweger); Peroxisome biogenesis disorder 7B. Last evaluated: 2025-02-02. Review status: criteria provided, single submitter. Criteria: Invitae Variant Classification Sherloc (09022015). Collection method: clinical testing. Allele origin: germline.
Comment: This sequence change replaces arginine, which is basic and polar, with methionine, which is neutral and non-polar, at codon 13 of the PEX26 protein (p.Arg13Met). The frequency data for this variant in the population databases is considered unreliable, as metrics indicate poor data quality at this position in the gnomAD database. This variant has not been reported in the literature in individuals affected with PEX26-related conditions. ClinVar contains an entry for this variant (Variation ID: 594220). Invitae Evidence Modeling of protein sequence and biophysical properties (such as structural, functional, and spatial information, amino acid conservation, physicochemical variation, residue mobility, and thermodynamic stability) indicates that this missense variant is not expected to disrupt PEX26 protein function with a negative predictive value of 95%. In summary, the available evidence is currently insufficient to determine the role of this variant in disease. Therefore, it has been classified as a Variant of Uncertain Significance.

Eurofins Ntd Llc (ga)
Classification: Uncertain significance. Last evaluated: 2017-09-26. Review status: criteria provided, single submitter. Criteria: EGL Classification Definitions 2015. Collection method: clinical testing. Allele origin: germline. Observed: 1 variant allele, 1 heterozygote.